The following is an entry in ClinVar:

ClinVar aggregate classification (germline): Pathogenic/Likely pathogenic. Review status: criteria provided, multiple submitters, no conflicts (2 of 4 stars). 3 submissions from 3 submitters: Pathogenic (1); Likely pathogenic (2). Last evaluated 2025-10-20.

Conditions:
Retinitis pigmentosa 25 (RP25). Identifiers: Orphanet 791, MedGen C1864446, MONDO:0011272, OMIM 602772.

Submissions (3):

Natera, Inc.
Classification: Likely pathogenic for Retinitis pigmentosa type 25. Last evaluated: 2025-10-20. Review status: criteria provided, single submitter. Criteria: Natera Variant Classification Schema (03/2026). Collection method: clinical testing. Allele origin: germline.
Comment: The c.749delG variant in EYS is a frameshift variant predicted to shift the reading frame beginning at codon 250 and leads to a stop codon 7 codons downstream. This variant is expected to result in nonsense mediated decay, truncation, or a dysfunctional protein product. This variant is rare in the general population with a frequency below the threshold expected for the associated phenotype(s). Given the available evidence, this variant is classified as Likely Pathogenic.

Baylor Genetics
Classification: Likely pathogenic for Retinitis pigmentosa 25. Last evaluated: 2024-03-24. Review status: criteria provided, single submitter. Criteria: ACMG Guidelines, 2015. Collection method: clinical testing. Allele origin: unknown.

Labcorp Genetics (formerly Invitae), Labcorp
Classification: Pathogenic. Last evaluated: 2022-10-13. Review status: criteria provided, single submitter. Criteria: Invitae Variant Classification Sherloc (09022015). Collection method: clinical testing. Allele origin: germline.
Comment: This variant has not been reported in the literature in individuals affected with EYS-related conditions. This variant is present in population databases (rs762794153, gnomAD 0.004%). This sequence change creates a premature translational stop signal (p.Gly250Glufs*7) in the EYS gene. It is expected to result in an absent or disrupted protein product. Loss-of-function variants in EYS are known to be pathogenic (PMID: 18836446, 20333770). ClinVar contains an entry for this variant (Variation ID: 1417445). For these reasons, this variant has been classified as Pathogenic. Algorithms developed to predict the effect of sequence changes on RNA splicing suggest that this variant may disrupt the consensus splice site.

Literature cited by the submitters: PubMed 18836446 (cited by Labcorp Genetics (formerly Invitae), Labcorp); PubMed 20333770 (cited by Labcorp Genetics (formerly Invitae), Labcorp).

NM_001142800.2(EYS):c.749del

Gene: EYS (EGF-like photoreceptor maintenance factor; minus strand). Cytogenetic location: 6q12.
Variant type: Deletion.
Coding change: c.749del on transcript NM_001142800.2 (MANE Select); coding-DNA position 749, one base deleted (G; older notation c.749delG).
Genome position (GRCh38, 1-based): chr6:65,490,707, C deleted on the plus strand (G on the coding strand, the reverse complement: EYS is on the minus strand); the first of 2 consecutive C bases (chr6:65,490,707-65,490,708); deleting either gives the same sequence. VCF-style (leftmost placement, unchanged base first): chr6-65490706-TC-T. GRCh37 (hg19) VCF-style: chr6-66200599-TC-T.
Other names: c.749delG (NM_001142800.1).
Identifiers: ClinVar variation 1417445 (VCV001417445.8), dbSNP rs762794153, ClinGen allele CA3877990.
Genomic context (GRCh38, chr6:65,490,706, plus strand): 5'-GCAGTTTCCATGGAAACAGACATGTGGTTGACACTGGCCAATTATTTCTGAGCAATTCTT[TC>T]CTATAACAATGAAAAAAAGTTTTTTTTACATTGGATATCAATATTATAACCATCAGTTTT-3'